The following is an entry in ClinVar:

ClinVar aggregate classification (germline): Uncertain significance. Review status: criteria provided, single submitter (1 of 4 stars). 2 submissions from 2 submitters: Uncertain significance (1). 1 of the submissions does not count toward it. Last evaluated 2023-10-03.

Allele frequency attached by ClinVar (database versions not stated): gnomAD exomes 0.00002 and 0.00003; TOPMed 0.00002; ExAC 0.00003; gnomAD 0.00004.

Submissions (2):

Ambry Genetics
Classification: Uncertain significance. Last evaluated: 2023-10-03. Review status: criteria provided, single submitter. Criteria: Ambry Variant Classification Scheme 2023. Collection method: clinical testing. Allele origin: germline.

ITMI
No classification provided. Condition: AllHighlyPenetrant. Last evaluated: 2013-09-19. Review status: no classification provided. Collection method: reference population. Allele origin: germline. Not counted in ClinVar's aggregate classification.
Comment: Please see associated publication for description of ethnicities

Literature cited by the submitters: PubMed 24728327 (cited by ITMI).

NM_003902.5(FUBP1):c.1429C>T (p.Pro477Ser)

Gene: FUBP1 (far upstream element binding protein 1; minus strand). Cytogenetic location: 1p31.1.
Variant type: single nucleotide variant.
Coding change: c.1429C>T on transcript NM_003902.5 (MANE Select); coding-DNA position 1429, C replaced by T.
Protein change: p.Pro477Ser; replaces proline 477 with serine.
Molecular consequence: missense variant. On other transcripts: non-coding transcript variant (5).
Genome position (GRCh38, 1-based): chr1:77,960,411, G>A on the plus strand (C>T on the coding strand, the complement: FUBP1 is on the minus strand). VCF-style: chr1-77960411-G-A. GRCh37 (hg19) VCF-style: chr1-78426096-G-A.
Other names: c.1492C>T, p.Pro498Ser (NM_001303433.2); c.1489C>T, p.Pro497Ser (NM_001376055.1); c.1426C>T, p.Pro476Ser (NM_001376056.1, NM_001376057.1); c.1429C>T (NM_003902.3); short protein forms P477S, P498S, P476S, P497S.
Identifiers: ClinVar variation 134457 (VCV000134457.2), dbSNP rs587778375, ClinGen allele CA159873.